The following is an entry in ClinVar:

ClinVar aggregate classification (germline): Conflicting classifications of pathogenicity. Review status: criteria provided, conflicting classifications (1 of 4 stars). 7 submissions from 7 submitters: Pathogenic (3); Likely pathogenic (3); Likely benign (1). Last evaluated 2026-09-04.

Conditions:
INPP5E-related disorder. Also called: INPP5E-related condition.
Joubert syndrome 1 (JBTS1). Also called: CEREBELLOPARENCHYMAL DISORDER IV; Cerebellooculorenal syndrome 1. Identifiers: MedGen C4551568, MONDO:0008944, OMIM 213300.
Joubert syndrome. Also called: Familial aplasia of the vermis; JOUBERT-BOLTSHAUSER SYNDROME. Identifiers: Orphanet 475, MedGen C5979921, MONDO:0018772.
Rod-cone dystrophy. Identifiers: MedGen C4551714, HP:0000510.

Allele frequency attached by ClinVar (database versions not stated): TOPMed 0.00002; ExAC 0.00005; gnomAD 0.00005; gnomAD exomes 0.00005 and 0.00006.

Submissions (7):

PreventionGenetics, part of Exact Sciences
Classification: Likely pathogenic for INPP5E-related condition. Last evaluated: 2026-09-04. Review status: criteria provided, single submitter. Criteria: ACMG Guidelines, 2015. Collection method: clinical testing. Allele origin: germline.
Comment: The INPP5E c.1754G>A variant is predicted to result in the amino acid substitution p.Arg585His. This variant has been seen in multiple individuals with Joubert syndrome and/or autosomal recessive inherited retinal disease (See for example, Table S5, Bachmann-Gagescu et al 2015. PubMed ID: 26092869; Table S3, Hanany. 2020. PubMed ID: 31964843; Table S1, Lin et al. 2024. PubMed ID: 38219857) and has been noted to segregate with the disorder in a family (Sangermano et al 2021. PubMed ID: 34188062). This variant was also noted in an individual with autism from the GDX study (Supplementary Data 3, Zhou et al. 2022. PubMed ID: 35982159) and was classified as pathogenic in a carrier screening study and in another dataset (Table S1, Capalbo A et al 2019. PubMed ID: 31589614; Dataset S4-S5, Kars. 2021. PubMed ID: 34426522). An alternate nucleotide change affecting the same amino acid (p.Arg585Cys) has been reported in multiple individuals with Joubert syndrome and/or autosomal recessive inherited retinal disease (Table1, Travaglini et al. 2013. PubMed ID: 23386033; Supplemental Sheet 1, Stone et al. 2017. PubMed ID: 28559085; Supplementary figure 1, Toma et al. 2018. PubMed ID: 29987673). The c.1754G>A variant is reported in 0.023% of alleles in individuals of African descent in gnomAD. In ClinVar, this variant is interpreted as likely pathogenic/pathogenic (Variation ID: 217657 ). This variant is interpreted as likely pathogenic.

GeneDx
Classification: Likely pathogenic. Last evaluated: 2026-01-26. Review status: criteria provided, single submitter. Criteria: GeneDx Variant Classification Process June 2021. Collection method: clinical testing. Allele origin: germline. Affected: yes.
Comment: In silico analysis supports that this missense variant has a deleterious effect on protein structure/function; This variant is associated with the following publications: (PMID: 34426522, 31589614, 23386033, 33057194, 31964843, 29987673, 35982159, 26092869, 34188062, 28559085, 38113761, 38219857)

Labcorp Genetics (formerly Invitae), Labcorp
Classification: Pathogenic for Joubert syndrome. Last evaluated: 2026-01-17. Review status: criteria provided, single submitter. Criteria: Invitae Variant Classification Sherloc (09022015). Collection method: clinical testing. Allele origin: germline.
Comment: This sequence change replaces arginine, which is basic and polar, with histidine, which is basic and polar, at codon 585 of the INPP5E protein (p.Arg585His). This variant is present in population databases (rs752300607, gnomAD 0.02%). This missense change has been observed in individual(s) with Joubert syndrome and/or rod cone degeneration (PMID: 26092869, 34188062). In at least one individual the data is consistent with being in trans (on the opposite chromosome) from a pathogenic variant. It has also been observed to segregate with disease in related individuals. ClinVar contains an entry for this variant (Variation ID: 217657). Invitae Evidence Modeling of protein sequence and biophysical properties (such as structural, functional, and spatial information, amino acid conservation, physicochemical variation, residue mobility, and thermodynamic stability) indicates that this missense variant is expected to disrupt INPP5E protein function with a positive predictive value of 80%. This variant disrupts the p.Arg585 amino acid residue in INPP5E. Other variant(s) that disrupt this residue have been determined to be pathogenic (PMID: 23386033, 28559085). This suggests that this residue is clinically significant, and that variants that disrupt this residue are likely to be disease-causing. For these reasons, this variant has been classified as Pathogenic.

Genomic Medicine Center of Excellence, King Faisal Specialist Hospital and Research Centre
Classification: Likely benign for Joubert syndrome 1. Last evaluated: 2025-09-10. Review status: criteria provided, single submitter. Criteria: ACMG Guidelines, 2015. Collection method: clinical testing. Allele origin: germline.

Blueprint Genetics
Classification: Pathogenic for INPP5E-related disorders. Last evaluated: 2024-02-19. Review status: criteria provided, single submitter. Criteria: ACMG Guidelines, 2015. Collection method: clinical testing. Allele origin: germline. Affected: yes. Observed: 5 variant alleles.

Ocular Genomics Institute, Massachusetts Eye and Ear
Classification: Likely pathogenic for Rod-cone dystrophy. Last evaluated: 2021-04-08. Review status: criteria provided, single submitter. Criteria: ACMG Guidelines, 2015. Collection method: research. Allele origin: germline. Affected: yes.
Comment: Through a review of available evidence we were able to apply the following criteria: PM2, PP3, PM1, PM3. Based on this evidence we have classified this variant as Likely Pathogenic.

UW Hindbrain Malformation Research Program, University of Washington
Classification: Pathogenic for Joubert syndrome 1. Last evaluated: 2015-02-23. Review status: criteria provided, single submitter. Criteria: Bachmann-Gagescu et al. (J Med Genet. 2015). Collection method: research. Allele origin: unknown. Affected: yes.

Literature cited by the submitters: PubMed 26092869 (cited by Labcorp Genetics (formerly Invitae), Labcorp and Ocular Genomics Institute, Massachusetts Eye and Ear); PubMed 34188062 (cited by Labcorp Genetics (formerly Invitae), Labcorp); PubMed 23386033 (cited by Labcorp Genetics (formerly Invitae), Labcorp); PubMed 28559085 (cited by Labcorp Genetics (formerly Invitae), Labcorp).

NM_019892.6(INPP5E):c.1754G>A (p.Arg585His)

Gene: INPP5E (inositol polyphosphate-5-phosphatase E; minus strand). Cytogenetic location: 9q34.3.
Variant type: single nucleotide variant.
Coding change: c.1754G>A on transcript NM_019892.6 (MANE Select); coding-DNA position 1754, G replaced by A.
Protein change: p.Arg585His; replaces arginine 585 with histidine.
Molecular consequence: missense variant.
Genome position (GRCh38, 1-based): chr9:136,430,325, C>T on the plus strand (G>A on the coding strand, the complement: INPP5E is on the minus strand). VCF-style: chr9-136430325-C-T. GRCh37 (hg19) VCF-style: chr9-139324777-C-T.
Other names: c.1751G>A, p.Arg584His (NM_001318502.2); c.1754G>A (NM_019892.5); short protein forms R585H, R584H.
Identifiers: ClinVar variation 217657 (VCV000217657.22), dbSNP rs752300607, ClinGen allele CA277739.
Genomic context (GRCh38, chr9:136,430,325, plus strand): 5'-GAGAACACTGACTTGTCTCGCCCCGGCCTCACTTTCACCCGGAAGAGGCCATACACAGGG[C>T]GGTGGTCGGACGTCTTGATCCCGGGGCAGGAAGAGTAGCTCACAGGACAGATGTCACCCT-3'
Protein context (NP_063945.2, residues 575-595): SCPGIKTSDH[Arg585His]PVYGLFRVKV